The following is an entry in ClinVar:

ClinVar aggregate classification (germline): Uncertain significance (1 of 4 stars; one submission).

Conditions:
Cardiovascular phenotype. Identifiers: MedGen CN230736.

Submission:

Ambry Genetics
Classification: Uncertain significance for Cardiovascular phenotype. Last evaluated: 2025-09-18. Review status: criteria provided, single submitter. Criteria: Ambry Variant Classification Scheme 2023. Collection method: clinical testing. Allele origin: germline.
Comment: The p.G140D variant (also known as c.419G>A), located in coding exon 1 of the GATA4 gene, results from a G to A substitution at nucleotide position 419. The glycine at codon 140 is replaced by aspartic acid, an amino acid with similar properties. This amino acid position is conserved. In addition, the in silico prediction for this alteration is inconclusive. Based on the available evidence, the clinical significance of this variant remains unclear.

NM_001308093.3(GATA4):c.419G>A (p.Gly140Asp)

Gene: GATA4 (GATA binding protein 4). Cytogenetic location: 8p23.1.
Variant type: single nucleotide variant.
Coding change: c.419G>A on transcript NM_001308093.3 (MANE Select); coding-DNA position 419, G replaced by A.
Protein change: p.Gly140Asp; replaces glycine 140 with aspartic acid.
Molecular consequence: missense variant. On other transcripts: intron variant (3).
Genome position (GRCh38, 1-based): chr8:11,708,731, G>A. VCF-style: chr8-11708731-G-A. GRCh37 (hg19) VCF-style: chr8-11566240-G-A.
Other names: c.419G>A, p.Gly140Asp (NM_002052.5); c.-6+7953G>A (NM_001308094.2); c.-3+717G>A (NM_001374274.1); c.-3+4427G>A (NM_001374273.1); short protein forms G140D.
Identifiers: ClinVar variation 4614230 (VCV004614230.1).
Genomic context (GRCh38, chr8:11,708,731, plus strand): 5'-CCGCCGCCGCTGCCGCGGCCCGGGAAGCTGCGGCCTACAGCAGTGGCGGCGGAGCGGCGG[G>A]TGCGGGCCTGGCGGGCCGCGAGCAGTACGGGCGCGCCGGCTTCGCGGGCTCCTACTCCAG-3'
Protein context (NP_001295022.1, residues 130-150): AAYSSGGGAA[Gly140Asp]AGLAGREQYG